The following is an entry in ClinVar:

NM_004714.3(DYRK1B):c.309T>G (p.Ser103Arg)

Gene: DYRK1B (dual specificity tyrosine phosphorylation regulated kinase 1B; minus strand). Cytogenetic location: 19q13.2.
Variant type: single nucleotide variant.
Coding change: c.309T>G on transcript NM_004714.3 (MANE Select); coding-DNA position 309, T replaced by G.
Protein change: p.Ser103Arg; replaces serine 103 with arginine.
Molecular consequence: missense variant.
Genome position (GRCh38, 1-based): chr19:39,830,438, A>C on the plus strand (T>G on the coding strand, the complement: DYRK1B is on the minus strand). VCF-style: chr19-39830438-A-C. GRCh37 (hg19) VCF-style: chr19-40321078-A-C.
Other names: c.309T>G, p.Ser103Arg (NM_006483.3, NM_006484.3); short protein forms S103R.
Identifiers: ClinVar variation 4998493 (VCV004998493.1).

ClinVar aggregate classification (germline): Uncertain significance (1 of 4 stars; one submission).

Conditions:
DYRK1B-related disorder. Also called: DYRK1B-related condition.

Submission:

PreventionGenetics, part of Exact Sciences
Classification: Uncertain significance for DYRK1B-related condition. Last evaluated: 2025-11-12. Review status: criteria provided, single submitter. Criteria: ACMG Guidelines, 2015. Collection method: clinical testing. Allele origin: germline.
Comment: The DYRK1B c.309T>G variant is predicted to result in the amino acid substitution p.Ser103Arg. To our knowledge, this variant has not been reported in the literature or in a large population database (gnomAD), indicating this variant is rare. At this time, the clinical significance of this variant is uncertain due to the absence of conclusive functional and genetic evidence.